The following is an entry in ClinVar:

NM_002511.4(NMBR):c.138C>T (p.Ile46=)

Gene: NMBR (neuromedin B receptor; minus strand). Cytogenetic location: 6q24.1.
Variant type: single nucleotide variant.
Coding change: c.138C>T on transcript NM_002511.4 (MANE Select); coding-DNA position 138, C replaced by T.
Protein change: p.Ile46=; no amino-acid change (isoleucine 46 retained).
Molecular consequence: synonymous variant. On other transcripts: intron variant (2).
Genome position (GRCh38, 1-based): chr6:142,088,521, G>A on the plus strand (C>T on the coding strand, the complement: NMBR is on the minus strand). VCF-style: chr6-142088521-G-A. GRCh37 (hg19) VCF-style: chr6-142409658-G-A.
Other names: c.-22-9618C>T (NM_001324308.2, NM_001324307.2).
Identifiers: ClinVar variation 711317 (VCV000711317.28), dbSNP rs117568543, ClinGen allele CA4026087.

ClinVar aggregate classification (germline): Benign/Likely benign. Review status: criteria provided, multiple submitters, no conflicts (2 of 4 stars). 2 submissions from 2 submitters: Benign (1); Likely benign (1). Last evaluated 2023-01-01.

Allele frequency attached by ClinVar (database versions not stated): 1000 Genomes Project 30x 0.00094; 1000 Genomes Project 0.00120; TOPMed 0.00172; ESP Exome Variant Server 0.00208; gnomAD exomes 0.00208 and 0.00217; ExAC 0.00244; gnomAD 0.00316.
gnomAD v4.1: 3,367 of 1,614,058 alleles (0.21%); highest among the groups gnomAD compares: Middle Eastern, 0.73%; 19 homozygotes.

Submissions (2):

CeGaT Center for Human Genetics Tuebingen
Classification: Likely benign. Last evaluated: 2023-01-01. Review status: criteria provided, single submitter. Criteria: CeGaT Center For Human Genetics Tuebingen Variant Classification Criteria Version 2. Collection method: clinical testing. Allele origin: germline. Affected: yes. Observed: 3 variant alleles.
Comment: NMBR: BP4, BP7, BS2

Labcorp Genetics (formerly Invitae), Labcorp
Classification: Benign. Last evaluated: 2019-12-31. Review status: criteria provided, single submitter. Criteria: Invitae Variant Classification Sherloc (09022015). Collection method: clinical testing. Allele origin: germline.